The following is an entry in ClinVar:

NM_015570.4(AUTS2):c.2972A>C (p.Asp991Ala)

Gene: AUTS2 (activator of transcription and developmental regulator AUTS2; plus strand). Cytogenetic location: 7q11.22.
Variant type: single nucleotide variant.
Coding change: c.2972A>C on transcript NM_015570.4 (MANE Select); coding-DNA position 2972, A replaced by C.
Protein change: p.Asp991Ala; replaces aspartic acid 991 with alanine.
Molecular consequence: missense variant.
Genome position (GRCh38, 1-based): chr7:70,790,188, A>C. VCF-style: chr7-70790188-A-C. GRCh37 (hg19) VCF-style: chr7-70255174-A-C.
Other names: c.2900A>C, p.Asp967Ala (NM_001127231.3); short protein forms D967A, D991A.
Identifiers: ClinVar variation 2845921 (VCV002845921.3), dbSNP rs943242452, ClinGen allele CA160016227.

ClinVar aggregate classification (germline): Uncertain significance (1 of 4 stars; one submission).

Allele frequency attached by ClinVar (database versions not stated): gnomAD 0.00001; gnomAD exomes 0.00003.
gnomAD v4.1: 44 of 1,612,066 alleles (0.0027%); highest among the groups gnomAD compares: Non-Finnish European, 0.0036%; no homozygotes.

Submission:

Labcorp Genetics (formerly Invitae), Labcorp
Classification: Uncertain significance. Last evaluated: 2025-06-02. Review status: criteria provided, single submitter. Criteria: Invitae Variant Classification Sherloc (09022015). Collection method: clinical testing. Allele origin: germline.
Comment: This sequence change replaces aspartic acid, which is acidic and polar, with alanine, which is neutral and non-polar, at codon 991 of the AUTS2 protein (p.Asp991Ala). This variant is present in population databases (no rsID available, gnomAD 0.002%). This missense change has been observed in individual(s) with movement disorders (PMID: 35531120). ClinVar contains an entry for this variant (Variation ID: 2845921). Invitae Evidence Modeling of protein sequence and biophysical properties (such as structural, functional, and spatial information, amino acid conservation, physicochemical variation, residue mobility, and thermodynamic stability) indicates that this missense variant is not expected to disrupt AUTS2 protein function with a negative predictive value of 80%. In summary, the available evidence is currently insufficient to determine the role of this variant in disease. Therefore, it has been classified as a Variant of Uncertain Significance.

Literature cited by the submitters: PubMed 35531120.